The following is an entry in ClinVar:

ClinVar aggregate classification (germline): Benign/Likely benign. Review status: criteria provided, multiple submitters, no conflicts (2 of 4 stars). 3 submissions from 3 submitters: Benign (1); Likely benign (2). Last evaluated 2024-08-01.

Conditions:
Juvenile polyposis syndrome (JPS). Identifiers: Orphanet 2929, MedGen C0345893, MONDO:0017380, OMIM 174900.
Hereditary cancer-predisposing syndrome. Also called: Neoplastic Syndromes, Hereditary; Hereditary Cancer Syndrome; Hereditary neoplastic syndrome; Tumor predisposition. Identifiers: Orphanet 140162, MedGen C0027672, MeSH D009386, MONDO:0015356.

Allele frequency attached by ClinVar (database versions not stated): gnomAD exomes below 0.00001.

Submissions (3):

Myriad Genetics, Inc.
Classification: Benign for Juvenile polyposis syndrome. Last evaluated: 2024-08-01. Review status: criteria provided, single submitter. Criteria: Myriad Autosomal Dominant, Autosomal Recessive and X-Linked Classification Criteria (2023). Collection method: clinical testing. Allele origin: unknown.
Comment: This variant is considered benign. This variant is a silent/synonymous amino acid change and it is not expected to impact splicing.

Labcorp Genetics (formerly Invitae), Labcorp
Classification: Likely benign for Juvenile polyposis syndrome. Last evaluated: 2024-04-05. Review status: criteria provided, single submitter. Criteria: Invitae Variant Classification Sherloc (09022015). Collection method: clinical testing. Allele origin: germline.

Ambry Genetics
Classification: Likely benign for Hereditary cancer-predisposing syndrome. Last evaluated: 2018-09-30. Review status: criteria provided, single submitter. Criteria: Ambry Variant Classification Scheme 2023. Collection method: clinical testing. Allele origin: germline.

NM_004329.3(BMPR1A):c.375T>C (p.Cys125=)

Gene: BMPR1A (bone morphogenetic protein receptor type 1A; plus strand). Cytogenetic location: 10q23.2.
Variant type: single nucleotide variant.
Coding change: c.375T>C on transcript NM_004329.3 (MANE Select); coding-DNA position 375, T replaced by C.
Protein change: p.Cys125=; no amino-acid change (cysteine 125 retained).
Molecular consequence: synonymous variant.
Genome position (GRCh38, 1-based): chr10:86,899,835, T>C. VCF-style: chr10-86899835-T-C. GRCh37 (hg19) VCF-style: chr10-88659592-T-C.
Identifiers: ClinVar variation 824170 (VCV000824170.16), dbSNP rs1449209053, ClinGen allele CA470306523.